The following is an entry in ClinVar:

NM_000548.5(TSC2):c.201C>G (p.Val67=)

Gene: TSC2 (TSC complex subunit 2; plus strand). Cytogenetic location: 16p13.3.
Variant type: single nucleotide variant.
Coding change: c.201C>G on transcript NM_000548.5 (MANE Select); coding-DNA position 201, C replaced by G.
Protein change: p.Val67=; no amino-acid change (valine 67 retained).
Molecular consequence: synonymous variant. On other transcripts: 5 prime UTR variant (1).
Genome position (GRCh38, 1-based): chr16:2,050,462, C>G. VCF-style: chr16-2050462-C-G. GRCh37 (hg19) VCF-style: chr16-2100463-C-G.
Other names: c.201C>G, p.Val67= (NM_001077183.3, NM_001114382.3, NM_001318827.2 and 4 more transcripts); c.54C>G, p.Val18= (NM_001318829.2); c.-26C>G (NM_001318831.2); c.234C>G, p.Val78= (NM_001318832.2).
Identifiers: ClinVar variation 1636802 (VCV001636802.11), dbSNP rs45460096, ClinGen allele CA492954909.

ClinVar aggregate classification (germline): Benign/Likely benign. Review status: criteria provided, multiple submitters, no conflicts (2 of 4 stars). 3 submissions from 3 submitters: Benign (1); Likely benign (2). Last evaluated 2025-05-02.

Conditions:
Hereditary cancer-predisposing syndrome. Also called: Tumor predisposition; Hereditary neoplastic syndrome; Neoplastic Syndromes, Hereditary; Hereditary Cancer Syndrome. Identifiers: Orphanet 140162, MedGen C0027672, MeSH D009386, MONDO:0015356.
Tuberous sclerosis 2 (TSC2). Identifiers: Orphanet 805, MedGen C1860707, MONDO:0013199, OMIM 613254.

Submissions (3):

Myriad Genetics, Inc.
Classification: Benign for Tuberous sclerosis 2. Last evaluated: 2025-05-02. Review status: criteria provided, single submitter. Criteria: Myriad Autosomal Dominant, Autosomal Recessive and X-Linked Classification Criteria (2023). Collection method: clinical testing. Allele origin: unknown.
Comment: This variant is considered benign. This variant is a silent/synonymous amino acid change and it is not expected to impact splicing.

Labcorp Genetics (formerly Invitae), Labcorp
Classification: Likely benign for Tuberous sclerosis 2. Last evaluated: 2021-10-12. Review status: criteria provided, single submitter. Criteria: Invitae Variant Classification Sherloc (09022015). Collection method: clinical testing. Allele origin: germline.

Ambry Genetics
Classification: Likely benign for Hereditary cancer-predisposing syndrome. Last evaluated: 2021-04-13. Review status: criteria provided, single submitter. Criteria: Ambry Variant Classification Scheme 2023. Collection method: clinical testing. Allele origin: germline.